The following is an entry in ClinVar:

ClinVar aggregate classification (germline): Pathogenic (1 of 4 stars; one submission).

Conditions:
Tuberous sclerosis 2 (TSC2). Identifiers: Orphanet 805, MedGen C1860707, MONDO:0013199, OMIM 613254.

Submission:

Labcorp Genetics (formerly Invitae), Labcorp
Classification: Pathogenic for Tuberous sclerosis 2. Last evaluated: 2021-05-12. Review status: criteria provided, single submitter. Criteria: Invitae Variant Classification Sherloc (09022015). Collection method: clinical testing. Allele origin: germline.
Comment: For these reasons, this variant has been classified as Pathogenic. Nucleotide substitutions within the consensus splice site are a relatively common cause of aberrant splicing (PMID: 17576681, 9536098). Algorithms developed to predict the effect of sequence changes on RNA splicing suggest that this variant may disrupt the consensus splice site, but this prediction has not been confirmed by published transcriptional studies. Algorithms developed to predict the effect of missense changes on protein structure and function are either unavailable or do not agree on the potential impact of this missense change (SIFT: "Deleterious"; PolyPhen-2: "Possibly Damaging"; Align-GVGD: "Class C0"). This variant has been observed in individual(s) with tuberous sclerosis complex (Invitae). In at least one individual the variant was observed to be de novo. ClinVar contains an entry for this variant (Variation ID: 467902). This variant is not present in population databases (ExAC no frequency). This sequence change replaces glutamine with histidine at codon 613 of the TSC2 protein (p.Gln613His). The glutamine residue is highly conserved and there is a small physicochemical difference between glutamine and histidine. This variant also falls at the last nucleotide of exon 17, which is part of the consensus splice site for this exon.

Literature cited by the submitters: PubMed 17576681; PubMed 9536098.

NM_000548.5(TSC2):c.1839G>C (p.Gln613His)

Gene: TSC2 (TSC complex subunit 2; plus strand). Cytogenetic location: 16p13.3.
Variant type: single nucleotide variant.
Coding change: c.1839G>C on transcript NM_000548.5 (MANE Select); coding-DNA position 1839, G replaced by C.
Protein change: p.Gln613His; replaces glutamine 613 with histidine.
Molecular consequence: missense variant.
Genome position (GRCh38, 1-based): chr16:2,070,578, G>C. VCF-style: chr16-2070578-G-C. GRCh37 (hg19) VCF-style: chr16-2120579-G-C.
Other names: c.1839G>C, p.Gln613His (NM_001077183.3, NM_001114382.3, NM_001363528.2 and 3 more transcripts); c.1728G>C, p.Gln576His (NM_001318827.2); c.1692G>C, p.Gln564His (NM_001318829.2); c.1239G>C, p.Gln413His (NM_001318831.2); c.1872G>C, p.Gln624His (NM_001318832.2); short protein forms Q613H, Q576H, Q624H, Q413H, Q564H.
Identifiers: ClinVar variation 467902 (VCV000467902.8), dbSNP rs1555505208, ClinGen allele CA394273020.